The following is an entry in ClinVar:

ClinVar aggregate classification (germline): Uncertain significance. Review status: criteria provided, multiple submitters, no conflicts (2 of 4 stars). 2 submissions from 2 submitters: Uncertain significance (2). Last evaluated 2025-06-01.

Allele frequency attached by ClinVar (database versions not stated): gnomAD 0.00001.
gnomAD v4.1: 102 of 1,613,990 alleles (0.0063%); highest among the groups gnomAD compares: South Asian, 0.011%; no homozygotes.

Submissions (2):

CeGaT Center for Human Genetics Tuebingen
Classification: Uncertain significance. Last evaluated: 2025-06-01. Review status: criteria provided, single submitter. Criteria: CeGaT Center For Human Genetics Tuebingen Variant Classification Criteria Version 2. Collection method: clinical testing. Allele origin: germline. Affected: yes. Observed: 1 variant allele.

Labcorp Genetics (formerly Invitae), Labcorp
Classification: Uncertain significance. Last evaluated: 2023-06-05. Review status: criteria provided, single submitter. Criteria: Invitae Variant Classification Sherloc (09022015). Collection method: clinical testing. Allele origin: germline.
Comment: This variant is present in population databases (rs779602494, gnomAD 0.01%). This sequence change replaces alanine, which is neutral and non-polar, with threonine, which is neutral and polar, at codon 1725 of the IGSF10 protein (p.Ala1725Thr). This variant has not been reported in the literature in individuals affected with IGSF10-related conditions. An algorithm developed to predict the effect of missense changes on protein structure and function (PolyPhen-2) suggests that this variant is likely to be disruptive. In summary, the available evidence is currently insufficient to determine the role of this variant in disease. Therefore, it has been classified as a Variant of Uncertain Significance.

NM_178822.5(IGSF10):c.5173G>A (p.Ala1725Thr)

Gene: IGSF10 (immunoglobulin superfamily member 10; minus strand). Cytogenetic location: 3q25.1.
Variant type: single nucleotide variant.
Coding change: c.5173G>A on transcript NM_178822.5 (MANE Select); coding-DNA position 5173, G replaced by A.
Protein change: p.Ala1725Thr; replaces alanine 1725 with threonine.
Molecular consequence: missense variant.
Genome position (GRCh38, 1-based): chr3:151,443,774, C>T on the plus strand (G>A on the coding strand, the complement: IGSF10 is on the minus strand). VCF-style: chr3-151443774-C-T. GRCh37 (hg19) VCF-style: chr3-151161562-C-T.
Other names: c.5173G>A, p.Ala1725Thr (NM_001385060.1, NM_001385061.1, NM_001385062.1 and 1 more transcripts); short protein forms A1725T.
Identifiers: ClinVar variation 2882257 (VCV002882257.11), dbSNP rs779602494, ClinGen allele CA2669790.